The following is an entry in ClinVar:

NM_153240.5(NPHP3):c.1119-6A>G

Genes: NPHP3-ACAD11 (NPHP3-ACAD11 readthrough (NMD candidate); minus strand), NPHP3 (nephrocystin 3; minus strand). Cytogenetic location: 3q22.1.
Variant type: single nucleotide variant.
Coding change: c.1119-6A>G on transcript NM_153240.5 (MANE Select); 6 bases into the intron before coding-DNA position 1119, A replaced by G.
Molecular consequence: intron variant.
Genome position (GRCh38, 1-based): chr3:132,708,263, T>C on the plus strand (A>G on the coding strand, the complement: NPHP3 is on the minus strand). VCF-style: chr3-132708263-T-C. GRCh37 (hg19) VCF-style: chr3-132427107-T-C.
Identifiers: ClinVar variation 3588565 (VCV003588565.2).
Genomic context (GRCh38, chr3:132,708,263, plus strand): 5'-AGGTTTTCCTTCAGGGTTTTTCAGAAAAGCTTCTTCACAGTCTTCCAATAAAAGGCTAGA[T>C]TGGAAATCAGCATTTTGTGTGCTATACTGCATTGTGGCAGCAAGCAGTTAGTTAATCAAC-3'

ClinVar aggregate classification (germline): Uncertain significance. Review status: criteria provided, multiple submitters, no conflicts (2 of 4 stars). 2 submissions from 2 submitters: Uncertain significance (2). Last evaluated 2025-05-16.

Conditions:
NPHP3-related Meckel-like syndrome. Also called: GOLDSTON SYNDROME; Meckel syndrome type 7. Identifiers: Orphanet 3032, MedGen C2673885, MONDO:0009966, OMIM 267010.
Renal-hepatic-pancreatic dysplasia 1 (RHPD1). Identifiers: MedGen C3715199, MONDO:0008833, OMIM 208540.
Nephronophthisis 3 (NPHP3). Also called: Adolescent nephronophthisis. Identifiers: Orphanet 655, MedGen C1858392, MONDO:0011456, OMIM 604387.

gnomAD v4.1: 29 of 1,613,520 alleles (0.0018%); highest among the groups gnomAD compares: South Asian, 0.0033%; no homozygotes.

Submissions (2):

GeneDx
Classification: Uncertain significance. Last evaluated: 2025-05-16. Review status: criteria provided, single submitter. Criteria: GeneDx Variant Classification Process June 2021. Collection method: clinical testing. Allele origin: germline. Affected: yes.
Comment: Not observed at significant frequency in large population cohorts (gnomAD); In silico analysis supports a deleterious effect on splicing; Has not been previously published as pathogenic or benign to our knowledge

Fulgent Genetics
Classification: Uncertain significance for Renal-hepatic-pancreatic dysplasia 1; NPHP3-related Meckel-like syndrome; Nephronophthisis 3. Last evaluated: 2024-04-17. Review status: criteria provided, single submitter. Criteria: ACMG Guidelines, 2015. Collection method: clinical testing. Allele origin: germline.